The following is an entry in ClinVar:

NM_001129.5(AEBP1):c.2245G>A (p.Ala749Thr)

Gene: AEBP1 (AE binding protein 1; plus strand). Cytogenetic location: 7p13.
Variant type: single nucleotide variant.
Coding change: c.2245G>A on transcript NM_001129.5 (MANE Select); coding-DNA position 2245, G replaced by A.
Protein change: p.Ala749Thr; replaces alanine 749 with threonine.
Molecular consequence: missense variant.
Genome position (GRCh38, 1-based): chr7:44,112,585, G>A. VCF-style: chr7-44112585-G-A. GRCh37 (hg19) VCF-style: chr7-44152184-G-A.
Other names: short protein forms A749T.
Identifiers: ClinVar variation 1479646 (VCV001479646.6), dbSNP rs769893776, ClinGen allele CA4238165.
Genomic context (GRCh38, chr7:44,112,585, plus strand): 5'-CAGCCCTGGCCTCACACGTGCTGGCCACTCCAGGTATCCACGGAGGTCCGGGCCATCATT[G>A]CCTGGATGGAGAAGAACCCCTTCGTGCTGGGAGCAAATCTGAACGGCGGCGAGCGGCTAG-3'
Protein context (NP_001120.3, residues 739-759): TVSTEVRAII[Ala749Thr]WMEKNPFVLG

ClinVar aggregate classification (germline): Uncertain significance (1 of 4 stars; one submission).

Allele frequency attached by ClinVar (database versions not stated): gnomAD exomes below 0.00001 and 0.00001; gnomAD 0.00001; ExAC 0.00002.
gnomAD v4.1: 7 of 1,600,044 alleles (0.00044%); highest among the groups gnomAD compares: Admixed American, 0.0084%; no homozygotes.

Submission:

Labcorp Genetics (formerly Invitae), Labcorp
Classification: Uncertain significance. Last evaluated: 2021-11-24. Review status: criteria provided, single submitter. Criteria: Invitae Variant Classification Sherloc (09022015). Collection method: clinical testing. Allele origin: germline.
Comment: In summary, the available evidence is currently insufficient to determine the role of this variant in disease. Therefore, it has been classified as a Variant of Uncertain Significance. Algorithms developed to predict the effect of missense changes on protein structure and function output the following: SIFT: "Tolerated"; PolyPhen-2: "Benign"; Align-GVGD: "Class C0". The threonine amino acid residue is found in multiple mammalian species, which suggests that this missense change does not adversely affect protein function. This variant has not been reported in the literature in individuals affected with AEBP1-related conditions. This variant is present in population databases (rs769893776, gnomAD 0.006%). This sequence change replaces alanine, which is neutral and non-polar, with threonine, which is neutral and polar, at codon 749 of the AEBP1 protein (p.Ala749Thr).